The following is an entry in ClinVar:

NM_000069.3(CACNA1S):c.4063A>G (p.Asn1355Asp)

Gene: CACNA1S (calcium voltage-gated channel subunit alpha1 S; minus strand). Cytogenetic location: 1q32.1.
Variant type: single nucleotide variant.
Coding change: c.4063A>G on transcript NM_000069.3 (MANE Select); coding-DNA position 4063, A replaced by G.
Protein change: p.Asn1355Asp; replaces asparagine 1355 with aspartic acid.
Molecular consequence: missense variant.
Genome position (GRCh38, 1-based): chr1:201,051,034, T>C on the plus strand (A>G on the coding strand, the complement: CACNA1S is on the minus strand). VCF-style: chr1-201051034-T-C. GRCh37 (hg19) VCF-style: chr1-201020162-T-C.
Other names: short protein forms N1355D.
Identifiers: ClinVar variation 3753184 (VCV003753184.2).

ClinVar aggregate classification (germline): Uncertain significance (1 of 4 stars; one submission).

Conditions:
Hypokalemic periodic paralysis, type 1. Also called: HypoPP; Hypokalemic Periodic Paralysis Type 1 (AD). Identifiers: Orphanet 681, MedGen C3714580, MONDO:0042979, OMIM 170400.
Malignant hyperthermia, susceptibility to, 5 (MHS5). Also called: CACNA1S-Related Malignant Hyperthermia Susceptibility. Identifiers: Orphanet 423, MedGen C1866077, MONDO:0011163, OMIM 601887.

Submission:

Labcorp Genetics (formerly Invitae), Labcorp
Classification: Uncertain significance for Hypokalemic periodic paralysis, type 1; Malignant hyperthermia, susceptibility to, 5. Last evaluated: 2024-11-15. Review status: criteria provided, single submitter. Criteria: Invitae Variant Classification Sherloc (09022015). Collection method: clinical testing. Allele origin: germline.
Comment: This sequence change replaces asparagine, which is neutral and polar, with aspartic acid, which is acidic and polar, at codon 1355 of the CACNA1S protein (p.Asn1355Asp). This variant is not present in population databases (gnomAD no frequency). This variant has not been reported in the literature in individuals affected with CACNA1S-related conditions. Invitae Evidence Modeling of protein sequence and biophysical properties (such as structural, functional, and spatial information, amino acid conservation, physicochemical variation, residue mobility, and thermodynamic stability) indicates that this missense variant is not expected to disrupt CACNA1S protein function with a negative predictive value of 95%. In summary, the available evidence is currently insufficient to determine the role of this variant in disease. Therefore, it has been classified as a Variant of Uncertain Significance.